The following is an entry in ClinVar:

NM_001753.5(CAV1):c.396dup (p.Cys133fs)

Gene: CAV1 (caveolin 1; plus strand). Cytogenetic location: 7q31.2.
Variant type: Duplication.
Coding change: c.396dup on transcript NM_001753.5 (MANE Select); coding-DNA position 396, one base duplicated (A; older notation c.396dupA).
Protein change: p.Cys133fs; shifts the reading frame from cysteine 133.
Molecular consequence: frameshift variant.
Genome position (GRCh38, 1-based): chr7:116,559,146, A duplicated. VCF-style (leftmost placement, unchanged base first): chr7-116559145-C-CA. GRCh37 (hg19) VCF-style: chr7-116199199-C-CA.
Other names: c.303dup, p.Cys102fs (NM_001172895.1, NM_001172896.2, NM_001172897.2); short protein forms C102fs, C133fs.
Identifiers: ClinVar variation 2631155 (VCV002631155.1), dbSNP rs2485219428, ClinGen allele CA2695199629.

ClinVar aggregate classification (germline): Likely pathogenic (1 of 4 stars; one submission).

Conditions:
CAV1-related disorder. Also called: CAV1-related condition.

Submission:

PreventionGenetics, part of Exact Sciences
Classification: Likely pathogenic for CAV1-related condition. Last evaluated: 2023-08-11. Review status: criteria provided, single submitter. Criteria: ACMG Guidelines, 2015. Collection method: clinical testing. Allele origin: germline.
Comment: The CAV1 c.396dupA variant is predicted to result in a frameshift and premature protein termination (p.Cys133Metfs*3). To our knowledge, this variant has not been reported in the literature or in a large population database, indicating this variant is rare. Frameshift variants in CAV1 are expected to be pathogenic. This variant is interpreted as likely pathogenic.